The following is an entry in ClinVar:

NM_001114748.2(TMEM240):c.458G>C (p.Gly153Ala)

Gene: TMEM240 (transmembrane protein 240; minus strand). Cytogenetic location: 1p36.33.
Variant type: single nucleotide variant.
Coding change: c.458G>C on transcript NM_001114748.2 (MANE Select); coding-DNA position 458, G replaced by C.
Protein change: p.Gly153Ala; replaces glycine 153 with alanine.
Molecular consequence: missense variant.
Genome position (GRCh38, 1-based): chr1:1,535,423, C>G on the plus strand (G>C on the coding strand, the complement: TMEM240 is on the minus strand). VCF-style: chr1-1535423-C-G. GRCh37 (hg19) VCF-style: chr1-1470803-C-G.
Other names: c.458G>C (NM_001114748.1); short protein forms G153A.
Identifiers: ClinVar variation 1967501 (VCV001967501.6), dbSNP rs1642198218, ClinGen allele CA337865899.

ClinVar aggregate classification (germline): Uncertain significance. Review status: criteria provided, multiple submitters, no conflicts (2 of 4 stars). 2 submissions from 2 submitters: Uncertain significance (2). Last evaluated 2026-03-31.

Submissions (2):

GeneDx
Classification: Uncertain significance. Last evaluated: 2026-03-31. Review status: criteria provided, single submitter. Criteria: GeneDx Variant Classification Process June 2021. Collection method: clinical testing. Allele origin: germline.
Comment: Not observed at significant frequency in large population cohorts (gnomAD); In silico analysis supports that this missense variant has a deleterious effect on protein structure/function; Has not been previously published as pathogenic or benign to our knowledge

Labcorp Genetics (formerly Invitae), Labcorp
Classification: Uncertain significance. Last evaluated: 2022-07-13. Review status: criteria provided, single submitter. Criteria: Invitae Variant Classification Sherloc (09022015). Collection method: clinical testing. Allele origin: germline.
Comment: In summary, the available evidence is currently insufficient to determine the role of this variant in disease. Therefore, it has been classified as a Variant of Uncertain Significance. Algorithms developed to predict the effect of missense changes on protein structure and function are either unavailable or do not agree on the potential impact of this missense change (SIFT: "Deleterious"; PolyPhen-2: "Probably Damaging"; Align-GVGD: "Class C0"). This missense change has been observed in at least one individual who was not affected with TMEM240-related conditions (Invitae). This variant has not been reported in the literature in individuals affected with TMEM240-related conditions. This variant is not present in population databases (gnomAD no frequency). This sequence change replaces glycine, which is neutral and non-polar, with alanine, which is neutral and non-polar, at codon 153 of the TMEM240 protein (p.Gly153Ala).